The following is an entry in ClinVar:

NM_004171.4(SLC1A2):c.1373_1374delinsAA (p.Gly458Glu)

Gene: SLC1A2 (solute carrier family 1 member 2; minus strand). Cytogenetic location: 11p13.
Variant type: Indel.
Coding change: c.1373_1374delinsAA on transcript NM_004171.4 (MANE Select); coding-DNA positions 1373 to 1374, GC replaced by AA.
Protein change: p.Gly458Glu; replaces glycine 458 with glutamic acid.
Molecular consequence: missense variant.
Genome position (GRCh38, 1-based): chr11:35,280,914-35,280,915, GC replaced by TT on the plus strand (GC replaced by AA on the coding strand, the reverse complement: SLC1A2 is on the minus strand). VCF-style: chr11-35280914-GC-TT. GRCh37 (hg19) VCF-style: chr11-35302461-GC-TT.
Other names: c.1346_1347delinsAA, p.Gly449Glu (NM_001195728.3, NM_001252652.2); short protein forms G449E, G458E.
Identifiers: ClinVar variation 2700506 (VCV002700506.3), dbSNP rs2497706959, ClinGen allele CA2697548511.

ClinVar aggregate classification (germline): Uncertain significance (1 of 4 stars; one submission).

Submission:

Labcorp Genetics (formerly Invitae), Labcorp
Classification: Uncertain significance. Last evaluated: 2023-12-02. Review status: criteria provided, single submitter. Criteria: Invitae Variant Classification Sherloc (09022015). Collection method: clinical testing. Allele origin: germline.
Comment: This sequence change replaces glycine, which is neutral and non-polar, with glutamic acid, which is acidic and polar, at codon 458 of the SLC1A2 protein (p.Gly458Glu). Information on the frequency of this variant in the gnomAD database is not available, as this variant may be reported differently in the database. This variant has not been reported in the literature in individuals affected with SLC1A2-related conditions. An algorithm developed to predict the effect of missense changes on protein structure and function (PolyPhen-2) suggests that this variant is likely to be disruptive. In summary, the available evidence is currently insufficient to determine the role of this variant in disease. Therefore, it has been classified as a Variant of Uncertain Significance.